The following is an entry in ClinVar:

ClinVar aggregate classification (germline): Pathogenic (1 of 4 stars; one submission).

Conditions:
Glycogen storage disease IXb (GSD9B). Also called: GLYCOGENOSIS OF LIVER AND MUSCLE, AUTOSOMAL RECESSIVE; GSD IXb; PHOSPHORYLASE KINASE DEFICIENCY OF LIVER AND MUSCLE, AUTOSOMAL RECESSIVE. Identifiers: Orphanet 79240, MedGen C0543514, MONDO:0009868, OMIM 261750.

Submission:

Labcorp Genetics (formerly Invitae), Labcorp
Classification: Pathogenic for Glycogen storage disease IXb. Last evaluated: 2023-08-28. Review status: criteria provided, single submitter. Criteria: Invitae Variant Classification Sherloc (09022015). Collection method: clinical testing. Allele origin: germline.
Comment: This variant has not been reported in the literature in individuals affected with PHKB-related conditions. For these reasons, this variant has been classified as Pathogenic. This variant is not present in population databases (gnomAD no frequency). This sequence change creates a premature translational stop signal (p.Gly940Argfs*4) in the PHKB gene. It is expected to result in an absent or disrupted protein product. Loss-of-function variants in PHKB are known to be pathogenic (PMID: 9215682, 9326319).

Literature cited by the submitters: PubMed 9215682; PubMed 9326319.

NM_000293.3(PHKB):c.2817dup (p.Gly940fs)

Gene: PHKB (phosphorylase kinase regulatory subunit beta; plus strand). Cytogenetic location: 16q12.1.
Variant type: Duplication.
Coding change: c.2817dup on transcript NM_000293.3 (MANE Select); coding-DNA position 2817, one base duplicated (C; older notation c.2817dupC).
Protein change: p.Gly940fs; shifts the reading frame from glycine 940.
Molecular consequence: frameshift variant.
Genome position (GRCh38, 1-based): chr16:47,693,429, C duplicated; the last of 2 consecutive C bases (chr16:47,693,428-47,693,429); duplicating either gives the same sequence. VCF-style (leftmost placement, unchanged base first): chr16-47693427-A-AC. GRCh37 (hg19) VCF-style: chr16-47727338-A-AC.
Other names: c.2796dup, p.Gly933fs (NM_001031835.3); c.2817dup, p.Gly940fs (NM_001363837.1); short protein forms G940fs, G933fs.
Identifiers: ClinVar variation 2755522 (VCV002755522.3), dbSNP rs2506722312, ClinGen allele CA2697555822.